The following is an entry in ClinVar:

ClinVar aggregate classification (germline): Uncertain significance (1 of 4 stars; one submission).

Conditions:
Hereditary cancer-predisposing syndrome. Also called: Tumor predisposition; Hereditary Cancer Syndrome; Hereditary neoplastic syndrome; Neoplastic Syndromes, Hereditary. Identifiers: Orphanet 140162, MedGen C0027672, MeSH D009386, MONDO:0015356.

gnomAD v4.1: 2 of 1,613,926 alleles (0.00012%); highest among the groups gnomAD compares: Admixed American, 0.0017%; no homozygotes.

Submission:

Ambry Genetics
Classification: Uncertain significance for Hereditary cancer-predisposing syndrome. Last evaluated: 2024-06-10. Review status: criteria provided, single submitter. Criteria: Ambry Variant Classification Scheme 2023. Collection method: clinical testing. Allele origin: germline.
Comment: The p.E520D variant (also known as c.1560G>T), located in coding exon 14 of the NF2 gene, results from a G to T substitution at nucleotide position 1560. The glutamic acid at codon 520 is replaced by aspartic acid, an amino acid with highly similar properties. This amino acid position is conserved. In addition, the in silico prediction for this alteration is inconclusive. Based on the available evidence, the clinical significance of this variant remains unclear.

NM_000268.4(NF2):c.1560G>T (p.Glu520Asp)

Gene: NF2 (NF2, moesin-ezrin-radixin like (MERLIN) tumor suppressor; plus strand). Cytogenetic location: 22q12.2.
Variant type: single nucleotide variant.
Coding change: c.1560G>T on transcript NM_000268.4 (MANE Select); coding-DNA position 1560, G replaced by T.
Protein change: p.Glu520Asp; replaces glutamic acid 520 with aspartic acid.
Molecular consequence: missense variant. On other transcripts: non-coding transcript variant (1), intron variant (1).
Genome position (GRCh38, 1-based): chr22:29,678,309, G>T. VCF-style: chr22-29678309-G-T. GRCh37 (hg19) VCF-style: chr22-30074298-G-T.
Other names: c.1446G>T, p.Glu482Asp (NM_001407053.1, NM_001407056.1); c.1437G>T, p.Glu479Asp (NM_001407054.1, NM_001407058.1, NM_181829.3); c.1434G>T, p.Glu478Asp (NM_001407055.1, NM_181828.3); c.1425G>T, p.Glu475Asp (NM_001407057.1, NM_001407059.1); c.1560G>T, p.Glu520Asp (NM_001407060.1, NM_001407066.1, NM_016418.5 and 2 more transcripts); c.1302G>T, p.Glu434Asp (NM_001407062.1); c.1311G>T, p.Glu437Asp (NM_001407063.1, NM_001407064.1, NM_181830.3 and 1 more transcripts); c.1026G>T, p.Glu342Asp (NM_001407065.1); and 2 more; short protein forms E437D, E443D, E479D, E520D, E342D, E434D, E482D, E475D.
Identifiers: ClinVar variation 3299444 (VCV003299444.1).
Genomic context (GRCh38, chr22:29,678,309, plus strand): 5'-CATTGGTGACAGCCTGTCTTTCGACTTCAAAGATACTGACATGAAGCGGCTTTCCATGGA[G>T]ATAGAGAAAGAAAAGTATGTAGCCCCCTGTGCCCTGCTGTGGGCAGCTGTGAACTAGACT-3'
Protein context (NP_000259.1, residues 510-530): KDTDMKRLSM[Glu520Asp]IEKEKVEYME